The following is an entry in ClinVar:

NM_000540.3(RYR1):c.3268G>C (p.Glu1090Gln)

Gene: RYR1 (ryanodine receptor 1; plus strand). Cytogenetic location: 19q13.2.
Variant type: single nucleotide variant.
Coding change: c.3268G>C on transcript NM_000540.3 (MANE Select); coding-DNA position 3268, G replaced by C.
Protein change: p.Glu1090Gln; replaces glutamic acid 1090 with glutamine.
Molecular consequence: missense variant.
Genome position (GRCh38, 1-based): chr19:38,467,699, G>C. VCF-style: chr19-38467699-G-C. GRCh37 (hg19) VCF-style: chr19-38958339-G-C.
Other names: c.3268G>C (NM_000540.2); c.3268G>C, p.Glu1090Gln (NM_001042723.2); short protein forms E1090Q.
Identifiers: ClinVar variation 1441311 (VCV001441311.6), dbSNP rs944826130, ClinGen allele CA308076975.

ClinVar aggregate classification (germline): Uncertain significance. Review status: criteria provided, multiple submitters, no conflicts (2 of 4 stars). 2 submissions from 2 submitters: Uncertain significance (2). Last evaluated 2023-03-27.

Conditions:
RYR1-related disorder. Also called: RYR1-related condition; RYR1-related disorders. Identifiers: MedGen CN239331.

gnomAD v4.1: 1 of 1,614,094 alleles (0.000062%); highest among the groups gnomAD compares: African/African-American, 0.0013%; no homozygotes.

Submissions (2):

Women's Health and Genetics/Laboratory Corporation of America, LabCorp
Classification: Uncertain significance. Last evaluated: 2023-03-27. Review status: criteria provided, single submitter. Criteria: LabCorp Variant Classification Summary - May 2015. Collection method: clinical testing. Allele origin: germline.
Comment: Variant summary: RYR1 c.3268G>C (p.Glu1090Gln) results in a conservative amino acid change located in the B30.2/SPRY domain (IPR001870) of the encoded protein sequence. Three of four in-silico tools predict a damaging effect of the variant on protein function. The variant was absent in 251460 control chromosomes (gnomAD). The available data on variant occurrences in the general population are insufficient to allow any conclusion about variant significance. To our knowledge, no occurrence of c.3268G>C in individuals affected with Malignant Hyperthermia Susceptibility and no experimental evidence demonstrating its impact on protein function have been reported. One clinical diagnostic laboratory has submitted clinical-significance assessments for this variant to ClinVar after 2014 and classified the variant as uncertain significance. Based on the evidence outlined above, the variant was classified as uncertain significance.

Labcorp Genetics (formerly Invitae), Labcorp
Classification: Uncertain significance for RYR1-related disorder. Last evaluated: 2023-02-23. Review status: criteria provided, single submitter. Criteria: Invitae Variant Classification Sherloc (09022015). Collection method: clinical testing. Allele origin: germline.
Comment: Advanced modeling of protein sequence and biophysical properties (such as structural, functional, and spatial information, amino acid conservation, physicochemical variation, residue mobility, and thermodynamic stability) performed at Invitae indicates that this missense variant is expected to disrupt RYR1 protein function. ClinVar contains an entry for this variant (Variation ID: 1441311). This variant has not been reported in the literature in individuals affected with RYR1-related conditions. This variant is not present in population databases (gnomAD no frequency). This sequence change replaces glutamic acid, which is acidic and polar, with glutamine, which is neutral and polar, at codon 1090 of the RYR1 protein (p.Glu1090Gln). In summary, the available evidence is currently insufficient to determine the role of this variant in disease. Therefore, it has been classified as a Variant of Uncertain Significance.